The following is an entry in ClinVar:

ClinVar aggregate classification (germline): Conflicting classifications of pathogenicity. Review status: criteria provided, conflicting classifications (1 of 4 stars). 2 submissions from 2 submitters: Uncertain significance (1); Benign (1). Last evaluated 2024-07-01.

Conditions:
Alpha thalassemia-X-linked intellectual disability syndrome (ATRX). Also called: ALPHA-THALASSEMIA/MENTAL RETARDATION SYNDROME, X-LINKED; ATR, NONDELETION TYPE; ATR-X syndrome; Alpha thalassemia mental retardation syndrome, nondeletion type, X-linked; XLMR hypotonic face syndrome; X-linked alpha-thalassemia-mental retardation syndrome. Identifiers: Orphanet 847, MedGen C1845055, MONDO:0010519, OMIM 301040.

Allele frequency attached by ClinVar (database versions not stated): gnomAD exomes below 0.00001.
gnomAD v4.1: 1 of 1,210,718 alleles (0.000083%); highest among the groups gnomAD compares: Non-Finnish European, 0.00011%; no homozygotes.

Submissions (2):

CeGaT Center for Human Genetics Tuebingen
Classification: Uncertain significance. Last evaluated: 2024-07-01. Review status: criteria provided, single submitter. Criteria: CeGaT Center For Human Genetics Tuebingen Variant Classification Criteria Version 2. Collection method: clinical testing. Allele origin: germline. Affected: yes. Observed: 1 variant allele.
Comment: ATRX: PM2

Labcorp Genetics (formerly Invitae), Labcorp
Classification: Benign for Alpha thalassemia-X-linked intellectual disability syndrome. Last evaluated: 2022-08-31. Review status: criteria provided, single submitter. Criteria: Invitae Variant Classification Sherloc (09022015). Collection method: clinical testing. Allele origin: germline.

NM_000489.6(ATRX):c.3265A>G (p.Arg1089Gly)

Gene: ATRX (ATRX chromatin remodeler; minus strand). Cytogenetic location: Xq21.1.
Variant type: single nucleotide variant.
Coding change: c.3265A>G on transcript NM_000489.6 (MANE Select); coding-DNA position 3265, A replaced by G.
Protein change: p.Arg1089Gly; replaces arginine 1089 with glycine.
Molecular consequence: missense variant.
Genome position (GRCh38, 1-based): chrX:77,681,991, T>C on the plus strand (A>G on the coding strand, the complement: ATRX is on the minus strand). VCF-style: chrX-77681991-T-C. GRCh37 (hg19) VCF-style: chrX-76937483-T-C.
Other names: c.3151A>G, p.Arg1051Gly (NM_138270.5); short protein forms R1089G, R1051G.
Identifiers: ClinVar variation 2040152 (VCV002040152.21), dbSNP rs2148577649, ClinGen allele CA413707053.